The following is an entry in ClinVar:

NM_001458.5(FLNC):c.5306_5314del (p.Glu1769_Pro1771del)

Genes: FLNC-AS1 (FLNC antisense RNA 1; minus strand), FLNC (filamin C; plus strand). Cytogenetic location: 7q32.1.
Variant type: Deletion.
Coding change: c.5306_5314del on transcript NM_001458.5 (MANE Select); coding-DNA positions 5306 to 5314, 9 bases deleted (AGGAGCCAG; older notation c.5306_5314delAGGAGCCAG).
Protein change: p.Glu1769_Pro1771del.
Molecular consequence: inframe deletion. On other transcripts: non-coding transcript variant (1).
Genome position (GRCh38, 1-based): chr7:128,850,391-128,850,399, AGGAGCCAG deleted; deleting any 9 consecutive bases within chr7:128,850,388-128,850,399 gives the same sequence; the c. name uses the placement nearest the transcript's 3' end. VCF-style (leftmost placement, unchanged base first): chr7-128850387-ACAGAGGAGC-A. GRCh37 (hg19) VCF-style: chr7-128490441-ACAGAGGAGC-A.
Other names: c.5207_5215del, p.Glu1736_Pro1738del (NM_001127487.2).
Identifiers: ClinVar variation 1297500 (VCV001297500.6), dbSNP rs2128938073, ClinGen allele CA2499218743.

ClinVar aggregate classification (germline): Uncertain significance. Review status: criteria provided, single submitter (1 of 4 stars). 3 submissions from 3 submitters: Uncertain significance (1). 2 of the submissions do not count toward it. Last evaluated 2024-08-20.

Conditions:
Myofibrillar myopathy 5. Also called: Filaminopathy (type); FILAMINOPATHY, AUTOSOMAL DOMINANT. Identifiers: Orphanet 171445, MedGen C1836050, MONDO:0012289, OMIM 609524.
Distal myopathy with posterior leg and anterior hand involvement. Also called: WILLIAMS DISTAL MYOPATHY. Identifiers: Orphanet 63273, MedGen C3279722, MONDO:0013550, OMIM 614065.
Hypertrophic cardiomyopathy 26. Also called: Cardiomyopathy, familial hypertrophic, 26. Identifiers: Orphanet 75249, MedGen C4310749, MONDO:0014883, OMIM 617047.

Submissions (3):

Labcorp Genetics (formerly Invitae), Labcorp
Classification: Uncertain significance for Distal myopathy with posterior leg and anterior hand involvement; Myofibrillar myopathy 5; Hypertrophic cardiomyopathy 26. Last evaluated: 2024-08-20. Review status: criteria provided, single submitter. Criteria: Invitae Variant Classification Sherloc (09022015). Collection method: clinical testing. Allele origin: germline.
Comment: This variant, c.5306_5314del, results in the deletion of 3 amino acid(s) of the FLNC protein (p.Glu1769_Pro1771del), but otherwise preserves the integrity of the reading frame. This variant is not present in population databases (gnomAD no frequency). This variant has not been reported in the literature in individuals affected with FLNC-related conditions. ClinVar contains an entry for this variant (Variation ID: 1297500). In summary, the available evidence is currently insufficient to determine the role of this variant in disease. Therefore, it has been classified as a Variant of Uncertain Significance.

Clinical Genetics DNA and cytogenetics Diagnostics Lab, Erasmus MC, Erasmus Medical Center
Classification: Uncertain significance. Review status: no assertion criteria provided. Collection method: clinical testing. Allele origin: germline. Affected: yes. Study: VKGL Data-share Consensus. Not counted in ClinVar's aggregate classification.

Joint Genome Diagnostic Labs from Nijmegen and Maastricht, Radboudumc and MUMC+
Classification: Uncertain significance. Review status: no assertion criteria provided. Collection method: clinical testing. Allele origin: germline. Affected: yes. Study: VKGL Data-share Consensus. Not counted in ClinVar's aggregate classification.